The following is an entry in ClinVar:

ClinVar aggregate classification (germline): Uncertain significance. Review status: criteria provided, multiple submitters, no conflicts (2 of 4 stars). 3 submissions from 3 submitters: Uncertain significance (3). Last evaluated 2025-08-09.

Conditions:
IFT74-related disorder. Also called: IFT74-related condition; IFT74-Related Disorders.
Inborn genetic diseases. Identifiers: MedGen C0950123, MeSH D030342.

Allele frequency attached by ClinVar (database versions not stated): gnomAD 0.00001; gnomAD exomes 0.00001; TOPMed 0.00002.
gnomAD v4.1: 12 of 1,592,426 alleles (0.00075%); highest among the groups gnomAD compares: Admixed American, 0.0036%; no homozygotes.

Submissions (3):

PreventionGenetics, part of Exact Sciences
Classification: Uncertain significance for IFT74-related condition. Last evaluated: 2025-08-09. Review status: criteria provided, single submitter. Criteria: ACMG Guidelines, 2015. Collection method: clinical testing. Allele origin: germline.
Comment: The IFT74 c.1390A>G variant is predicted to result in the amino acid substitution p.Thr464Ala. To our knowledge, this variant has not been reported in the literature. This variant is reported in 0.0035% of alleles in individuals of Latino descent in gnomAD. At this time, the clinical significance of this variant is uncertain due to the absence of conclusive functional and genetic evidence.

Ambry Genetics
Classification: Uncertain significance for Inborn genetic diseases. Last evaluated: 2025-04-28. Review status: criteria provided, single submitter. Criteria: Ambry Variant Classification Scheme 2023. Collection method: clinical testing. Allele origin: germline.

Labcorp Genetics (formerly Invitae), Labcorp
Classification: Uncertain significance. Last evaluated: 2022-08-11. Review status: criteria provided, single submitter. Criteria: Invitae Variant Classification Sherloc (09022015). Collection method: clinical testing. Allele origin: germline.
Comment: This sequence change replaces threonine, which is neutral and polar, with alanine, which is neutral and non-polar, at codon 464 of the IFT74 protein (p.Thr464Ala). This variant is present in population databases (no rsID available, gnomAD 0.004%). This variant has not been reported in the literature in individuals affected with IFT74-related conditions. Algorithms developed to predict the effect of missense changes on protein structure and function (SIFT, PolyPhen-2, Align-GVGD) all suggest that this variant is likely to be tolerated. In summary, the available evidence is currently insufficient to determine the role of this variant in disease. Therefore, it has been classified as a Variant of Uncertain Significance.

NM_025103.4(IFT74):c.1390A>G (p.Thr464Ala)

Gene: IFT74 (intraflagellar transport 74; plus strand). Cytogenetic location: 9p21.2.
Variant type: single nucleotide variant.
Coding change: c.1390A>G on transcript NM_025103.4 (MANE Select); coding-DNA position 1390, A replaced by G.
Protein change: p.Thr464Ala; replaces threonine 464 with alanine.
Molecular consequence: missense variant.
Genome position (GRCh38, 1-based): chr9:27,055,665, A>G. VCF-style: chr9-27055665-A-G. GRCh37 (hg19) VCF-style: chr9-27055663-A-G.
Other names: c.1390A>G (NM_001099222.1, NM_025103.2); c.1390A>G, p.Thr464Ala (NM_001099222.3, NM_001099223.3, NM_001349928.2); short protein forms T464A.
Identifiers: ClinVar variation 2193926 (VCV002193926.4), dbSNP rs1346059241, ClinGen allele CA373128073.
Genomic context (GRCh38, chr9:27,055,665, plus strand): 5'-TCAGACATTCAACGTCTGCAGTTGGATCTGCAGAAAATGGAGCTTCTAGAAAGTAAGATG[A>G]CTGAAGAACAGCATTCTCTAAAAAGCAAAATTAAGCAAATGACAACTGATCTGGAGATAT-3'
Protein context (NP_079379.2, residues 454-474): QKMELLESKM[Thr464Ala]EEQHSLKSKI